The following is an entry in ClinVar:

ClinVar aggregate classification (germline): Benign. Review status: criteria provided, multiple submitters, no conflicts (2 of 4 stars). 4 submissions from 4 submitters: Benign (4). Last evaluated 2018-01-13.

Conditions:
Neuropathy, hereditary sensory and autonomic, type 1C. Also called: HSAN IC; HSN IC. Identifiers: Orphanet 36386, MedGen C3150896, MONDO:0013337, OMIM 613640.

Allele frequency attached by ClinVar (database versions not stated): 1000 Genomes Project 0.05471; 1000 Genomes Project 30x 0.05840; TOPMed 0.06275; ESP Exome Variant Server 0.06874.
gnomAD v4.1: 84,953 of 1,613,718 alleles (5.3%); highest among the groups gnomAD compares: African/African-American, 10%; 2,459 homozygotes.

Submissions (4):

Illumina Laboratory Services, Illumina
Classification: Benign for Neuropathy, hereditary sensory and autonomic, type 1C. Last evaluated: 2018-01-13. Review status: criteria provided, single submitter. Criteria: ICSL Variant Classification Criteria 13 December 2019. Collection method: clinical testing. Allele origin: germline.
Comment: This variant was observed in the ICSL laboratory as part of a predisposition screen in an ostensibly healthy population. It had not been previously curated by ICSL or reported in the Human Gene Mutation Database (HGMD: prior to June 1st, 2018), and was therefore a candidate for classification through an automated scoring system. Utilizing variant allele frequency, disease prevalence and penetrance estimates, and inheritance mode, an automated score was calculated to assess if this variant is too frequent to cause the disease. Based on the score and internal cut-off values, a variant classified as benign is not then subjected to further curation. The score for this variant resulted in a classification of benign for this disease.

Mayo Clinic Laboratories, Mayo Clinic
Classification: Benign. Last evaluated: 2016-04-07. Review status: criteria provided, single submitter. Criteria: ACMG Guidelines, 2015. Collection method: clinical testing. Allele origin: germline. Observed: 177 variant alleles.

GeneDx
Classification: Benign. Last evaluated: 2015-03-03. Review status: criteria provided, single submitter. Criteria: GeneDx Variant Classification Process June 2021. Collection method: clinical testing. Allele origin: germline. Affected: yes.

Breakthrough Genomics
Classification: Benign. Review status: criteria provided, single submitter. Criteria: ACMG Guidelines, 2015. Collection method: not provided. Allele origin: germline. Inheritance: Autosomal dominant inheritance. Affected: yes.

NM_004863.4(SPTLC2):c.*6T>G

Gene: SPTLC2 (serine palmitoyltransferase long chain base subunit 2; minus strand). Cytogenetic location: 14q24.3.
Variant type: single nucleotide variant.
Coding change: c.*6T>G on transcript NM_004863.4 (MANE Select); 6 bases downstream of the stop codon, T replaced by G.
Molecular consequence: 3 prime UTR variant.
Genome position (GRCh38, 1-based): chr14:77,512,278, A>C on the plus strand (T>G on the coding strand, the complement: SPTLC2 is on the minus strand). VCF-style: chr14-77512278-A-C. GRCh37 (hg19) VCF-style: chr14-77978621-A-C.
Identifiers: ClinVar variation 314663 (VCV000314663.9), dbSNP rs73319080, ClinGen allele CA7289094.
Genomic context (GRCh38, chr14:77,512,278, plus strand): 5'-TGGCTCACAAAGGCCACAGGCTGTCCTGGGTGAGGGAGAGTTCCTCTGAGGGAGCACCAA[A>C]AAGGCTCAGTCTTCTGTTTCTTCATACGTCGTCTCGTCAAAGGGCCTGTCCAGTAGAGGT-3'